The following is an entry in ClinVar:

NM_198514.4(NHLRC2):c.210_213del (p.Ile70fs)

Gene: NHLRC2 (NHL repeat containing 2; plus strand). Cytogenetic location: 10q25.3.
Variant type: Deletion.
Coding change: c.210_213del on transcript NM_198514.4 (MANE Select); coding-DNA positions 210 to 213, 4 bases deleted (TTCT; older notation c.210_213delTTCT).
Protein change: p.Ile70fs; shifts the reading frame from isoleucine 70.
Molecular consequence: frameshift variant.
Genome position (GRCh38, 1-based): chr10:113,858,559-113,858,562, TTCT deleted; deleting any 4 consecutive bases within chr10:113,858,558-113,858,562 gives the same sequence; the c. name uses the placement nearest the transcript's 3' end. VCF-style (leftmost placement, unchanged base first): chr10-113858557-ATTTC-A. GRCh37 (hg19) VCF-style: chr10-115618316-ATTTC-A.
Other names: short protein forms I70fs.
Identifiers: ClinVar variation 4851885 (VCV004851885.1).

ClinVar aggregate classification (germline): Likely pathogenic (1 of 4 stars; one submission).

Submission:

Dasa
Classification: Likely pathogenic. Last evaluated: 2024-08-02. Review status: criteria provided, single submitter. Criteria: DASA Assertion Criteria. Collection method: clinical testing. Allele origin: germline.
Comment: NM_198514.4(NHLRC2):c.210_213del (p.Ile70Metfs*10) introduces a premature termination codon predicted to result in loss of normal protein function. Loss-of-function is an established mechanism of disease for this gene. The variant is present at low frequency in population datasets. Based on the available data, this variant is classified as likely pathogenic.